The following is an entry in ClinVar:

NM_198173.3(GRHL3):c.862G>A (p.Asp288Asn)

Gene: GRHL3 (grainyhead like transcription factor 3; plus strand). Cytogenetic location: 1p36.11.
Variant type: single nucleotide variant.
Coding change: c.862G>A on transcript NM_198173.3 (MANE Select); coding-DNA position 862, G replaced by A.
Protein change: p.Asp288Asn; replaces aspartic acid 288 with asparagine.
Molecular consequence: missense variant.
Genome position (GRCh38, 1-based): chr1:24,338,013, G>A. VCF-style: chr1-24338013-G-A. GRCh37 (hg19) VCF-style: chr1-24664503-G-A.
Other names: c.724G>A, p.Asp242Asn (NM_001195010.2); c.877G>A, p.Asp293Asn (NM_021180.4); c.862G>A, p.Asp288Asn (NM_198174.3); short protein forms D242N, D288N, D293N.
Identifiers: ClinVar variation 4811031 (VCV004811031.1).

ClinVar aggregate classification (germline): Uncertain significance (1 of 4 stars; one submission).

Conditions:
Van der Woude syndrome 2 (VWS2). Identifiers: Orphanet 888, MedGen C1847604, MONDO:0011712, OMIM 606713.

gnomAD v4.1: 48 of 1,610,430 alleles (0.003%); highest among the groups gnomAD compares: African/African-American, 0.019%; no homozygotes.

Submission:

Labcorp Genetics (formerly Invitae), Labcorp
Classification: Uncertain significance for Van der Woude syndrome 2. Last evaluated: 2025-09-02. Review status: criteria provided, single submitter. Criteria: Invitae Variant Classification Sherloc (09022015). Collection method: clinical testing. Allele origin: germline.
Comment: This sequence change replaces aspartic acid, which is acidic and polar, with asparagine, which is neutral and polar, at codon 288 of the GRHL3 protein (p.Asp288Asn). This variant is present in population databases (rs141594535, gnomAD 0.03%). This variant has not been reported in the literature in individuals affected with GRHL3-related conditions. An algorithm developed to predict the effect of missense changes on protein structure and function (PolyPhen-2) suggests that this variant is likely to be disruptive. In summary, the available evidence is currently insufficient to determine the role of this variant in disease. Therefore, it has been classified as a Variant of Uncertain Significance.